The following is an entry in ClinVar:

ClinVar aggregate classification (germline): Uncertain significance (1 of 4 stars; one submission).

Submission:

CeGaT Center for Human Genetics Tuebingen
Classification: Uncertain significance. Last evaluated: 2025-01-01. Review status: criteria provided, single submitter. Criteria: CeGaT Center For Human Genetics Tuebingen Variant Classification Criteria Version 2. Collection method: clinical testing. Allele origin: germline. Affected: yes. Observed: 1 variant allele.
Comment: MYH6: PM2, PS3:Supporting

NC_000014.9:g.23408562C>T

Genes: MYH6 (myosin heavy chain 6; minus strand), LOC114827851 (VISTA enhancer hs2155; plus strand). Cytogenetic location: 14q11.2.
Variant type: single nucleotide variant.
Genome position: GRCh38 VCF-style: chr14-23408562-C-T. GRCh37 (hg19) VCF-style: chr14-23877771-C-T.
Identifiers: ClinVar variation 3771867 (VCV003771867.13).